The following is an entry in ClinVar:

NM_006031.6(PCNT):c.3515C>T (p.Thr1172Met)

Gene: PCNT (pericentrin; plus strand). Cytogenetic location: 21q22.3.
Variant type: single nucleotide variant.
Coding change: c.3515C>T on transcript NM_006031.6 (MANE Select); coding-DNA position 3515, C replaced by T.
Protein change: p.Thr1172Met; replaces threonine 1172 with methionine.
Molecular consequence: missense variant.
Genome position (GRCh38, 1-based): chr21:46,388,792, C>T. VCF-style: chr21-46388792-C-T. GRCh37 (hg19) VCF-style: chr21-47808707-C-T.
Other names: c.3161C>T, p.Thr1054Met (NM_001315529.2); short protein forms T1054M, T1172M.
Identifiers: ClinVar variation 4981260 (VCV004981260.1).

ClinVar aggregate classification (germline): Uncertain significance (1 of 4 stars; one submission).

Conditions:
PCNT-related disorder. Also called: PCNT-related condition.

gnomAD v4.1: 5 of 1,613,580 alleles (0.00031%); highest among the groups gnomAD compares: African/African-American, 0.0013%; no homozygotes.

Submission:

PreventionGenetics, part of Exact Sciences
Classification: Uncertain significance for PCNT-related condition. Last evaluated: 2025-09-25. Review status: criteria provided, single submitter. Criteria: ACMG Guidelines, 2015. Collection method: clinical testing. Allele origin: germline.
Comment: The PCNT c.3515C>T variant is predicted to result in the amino acid substitution p.Thr1172Met. To our knowledge, this variant has not been reported in the literature. This variant is reported in 0.0040% of alleles in individuals of African descent in gnomAD. At this time, the clinical significance of this variant is uncertain due to the absence of conclusive functional and genetic evidence.